The following is an entry in ClinVar:

ClinVar aggregate classification (germline): Uncertain significance (1 of 4 stars; one submission).

Conditions:
Dilated cardiomyopathy 1HH (CMD1HH). Identifiers: Orphanet 154, MedGen C3151293, MONDO:0013479, OMIM 613881.
Myofibrillar myopathy 6. Identifiers: Orphanet 199340, MedGen C2751831, MONDO:0013061, OMIM 612954.

Submission:

Labcorp Genetics (formerly Invitae), Labcorp
Classification: Uncertain significance for Dilated cardiomyopathy 1HH; Myofibrillar myopathy 6. Last evaluated: 2021-11-18. Review status: criteria provided, single submitter. Criteria: Invitae Variant Classification Sherloc (09022015). Collection method: clinical testing. Allele origin: germline.
Comment: Algorithms developed to predict the effect of missense changes on protein structure and function are either unavailable or do not agree on the potential impact of this missense change (SIFT: "Deleterious"; PolyPhen-2: "Possibly Damaging"; Align-GVGD: "Class C0"). This variant has not been reported in the literature in individuals affected with BAG3-related conditions. This variant is not present in population databases (gnomAD no frequency). This sequence change replaces arginine, which is basic and polar, with serine, which is neutral and polar, at codon 267 of the BAG3 protein (p.Arg267Ser). In summary, the available evidence is currently insufficient to determine the role of this variant in disease. Therefore, it has been classified as a Variant of Uncertain Significance.

NM_004281.4(BAG3):c.801G>T (p.Arg267Ser)

Gene: BAG3 (BAG cochaperone 3; plus strand). Cytogenetic location: 10q26.11.
Variant type: single nucleotide variant.
Coding change: c.801G>T on transcript NM_004281.4 (MANE Select); coding-DNA position 801, G replaced by T.
Protein change: p.Arg267Ser; replaces arginine 267 with serine.
Molecular consequence: missense variant.
Genome position (GRCh38, 1-based): chr10:119,672,548, G>T. VCF-style: chr10-119672548-G-T. GRCh37 (hg19) VCF-style: chr10-121432060-G-T.
Other names: short protein forms R267S.
Identifiers: ClinVar variation 1374704 (VCV001374704.6), dbSNP rs2134065343, ClinGen allele CA378295827.